The following is an entry in ClinVar:

ClinVar aggregate classification (germline): Benign. Review status: criteria provided, multiple submitters, no conflicts (2 of 4 stars). 10 submissions from 10 submitters: Benign (7). 3 of the submissions do not count toward it. Last evaluated 2026-02-03.

Conditions:
Neuronopathy, distal hereditary motor, type 2C. Also called: HMN IIC; NEUROPATHY, DISTAL HEREDITARY MOTOR, AUTOSOMAL DOMINANT 4; NEURONOPATHY, DISTAL HEREDITARY MOTOR, HARDING TYPE IIC; NEUROPATHY, DISTAL HEREDITARY MOTOR, HARDING TYPE IIC. Identifiers: Orphanet 139525, MedGen C3150619, MONDO:0013243, OMIM 613376.

Allele frequency attached by ClinVar (database versions not stated): 1000 Genomes Project 30x 0.47564; 1000 Genomes Project 0.48263; TOPMed 0.52461; gnomAD 0.53596 and 0.53709; gnomAD exomes 0.55183 and 0.58036; ExAC 0.55427; ESP Exome Variant Server 0.55474.
gnomAD v4.1: 929,665 of 1,613,562 alleles (58%); highest among the groups gnomAD compares: Middle Eastern, 68%; 271,020 homozygotes.

Submissions (10):

Labcorp Genetics (formerly Invitae), Labcorp
Classification: Benign for Neuronopathy, distal hereditary motor, type 2C. Last evaluated: 2026-02-03. Review status: criteria provided, single submitter. Criteria: Invitae Variant Classification Sherloc (09022015). Collection method: clinical testing. Allele origin: germline.

Genome-Nilou Lab
Classification: Benign for Neuronopathy, distal hereditary motor, type 2C. Last evaluated: 2021-08-10. Review status: criteria provided, single submitter. Criteria: ACMG Guidelines, 2015. Collection method: clinical testing. Allele origin: germline. Affected: no.

Illumina Laboratory Services, Illumina
Classification: Benign for Neuronopathy, distal hereditary motor, type 2C. Last evaluated: 2018-01-12. Review status: criteria provided, single submitter. Criteria: ICSL Variant Classification Criteria 13 December 2019. Collection method: clinical testing. Allele origin: germline.
Comment: This variant was observed in the ICSL laboratory as part of a predisposition screen in an ostensibly healthy population. It had not been previously curated by ICSL or reported in the Human Gene Mutation Database (HGMD: prior to June 1st, 2018), and was therefore a candidate for classification through an automated scoring system. Utilizing variant allele frequency, disease prevalence and penetrance estimates, and inheritance mode, an automated score was calculated to assess if this variant is too frequent to cause the disease. Based on the score and internal cut-off values, a variant classified as benign is not then subjected to further curation. The score for this variant resulted in a classification of benign for this disease.

Athena Diagnostics
Classification: Benign. Last evaluated: 2017-11-16. Review status: criteria provided, single submitter. Criteria: Athena Diagnostics Criteria. Collection method: clinical testing. Allele origin: germline.

Mayo Clinic Laboratories, Mayo Clinic
Classification: Benign. Last evaluated: 2015-08-26. Review status: criteria provided, single submitter. Criteria: ACMG Guidelines, 2015. Collection method: clinical testing. Allele origin: germline. Observed: 542 variant alleles.

GeneDx
Classification: Benign. Last evaluated: 2015-03-03. Review status: criteria provided, single submitter. Criteria: GeneDx Variant Classification Process June 2021. Collection method: clinical testing. Allele origin: germline. Affected: yes.

Breakthrough Genomics
Classification: Benign. Review status: criteria provided, single submitter. Criteria: ACMG Guidelines, 2015. Collection method: not provided. Allele origin: germline. Inheritance: Autosomal dominant inheritance. Affected: yes.

Clinical Genetics, Academic Medical Center
Classification: Benign. Review status: no assertion criteria provided. Collection method: clinical testing. Allele origin: germline. Affected: yes. Study: VKGL Data-share Consensus. Not counted in ClinVar's aggregate classification.

Diagnostic Laboratory, Department of Genetics, University Medical Center Groningen
Classification: Benign for Neuronopathy, distal hereditary motor, type 2C. Review status: no assertion criteria provided. Collection method: clinical testing. Allele origin: germline. Affected: yes. Study: VKGL Data-share Consensus. Not counted in ClinVar's aggregate classification.

Joint Genome Diagnostic Labs from Nijmegen and Maastricht, Radboudumc and MUMC+
Classification: Benign. Review status: no assertion criteria provided. Collection method: clinical testing. Allele origin: germline. Affected: yes. Study: VKGL Data-share Consensus. Not counted in ClinVar's aggregate classification.

NM_006308.3(HSPB3):c.282G>A (p.Leu94=)

Gene: HSPB3 (heat shock protein family B (small) member 3; plus strand). Cytogenetic location: 5q11.2.
Variant type: single nucleotide variant.
Coding change: c.282G>A on transcript NM_006308.3 (MANE Select); coding-DNA position 282, G replaced by A.
Protein change: p.Leu94=; no amino-acid change (leucine 94 retained).
Molecular consequence: synonymous variant.
Genome position (GRCh38, 1-based): chr5:54,456,071, G>A. VCF-style: chr5-54456071-G-A. GRCh37 (hg19) VCF-style: chr5-53751901-G-A.
Other names: p.Leu94=.
Identifiers: ClinVar variation 353899 (VCV000353899.21), dbSNP rs7699, ClinGen allele CA3264653.